The following is an entry in ClinVar:

ClinVar aggregate classification (germline): Uncertain significance. Review status: criteria provided, multiple submitters, no conflicts (2 of 4 stars). 2 submissions from 2 submitters: Uncertain significance (2). Last evaluated 2021-08-17.

Conditions:
Spermatogenic failure 18. Identifiers: MedGen C4539783, MONDO:0054615, OMIM 617576.
Ciliary dyskinesia, primary, 37 (CILD37). Also called: CILIARY DYSKINESIA, PRIMARY, 37, WITH OR WITHOUT SITUS INVERSUS. Identifiers: MedGen C4539798, MONDO:0033204, OMIM 617577.

Allele frequency attached by ClinVar (database versions not stated): gnomAD 0.00001; gnomAD exomes 0.00001; TOPMed 0.00001.
gnomAD v4.1: 6 of 1,613,904 alleles (0.00037%); highest among the groups gnomAD compares: Non-Finnish European, 0.00051%; no homozygotes.

Submissions (2):

Ambry Genetics
Classification: Uncertain significance. Last evaluated: 2021-08-17. Review status: criteria provided, single submitter. Criteria: Ambry Variant Classification Scheme 2023. Collection method: clinical testing. Allele origin: germline.

Labcorp Genetics (formerly Invitae), Labcorp
Classification: Uncertain significance for Ciliary dyskinesia, primary, 37; Spermatogenic failure 18. Last evaluated: 2017-07-26. Review status: criteria provided, single submitter. Criteria: Invitae Variant Classification Sherloc (09022015). Collection method: clinical testing. Allele origin: germline.
Comment: This sequence change replaces serine with tyrosine at codon 3550 of the DNAH1 protein (p.Ser3550Tyr). The serine residue is highly conserved and there is a large physicochemical difference between serine and tyrosine. This variant is not present in population databases (ExAC no frequency). This variant has not been reported in the literature in individuals with DNAH1-related disease. Algorithms developed to predict the effect of missense changes on protein structure and function do not agree on the potential impact of this missense change (SIFT: "Deleterious"; PolyPhen-2: "Probably Damaging"; Align-GVGD: "Class C0"). In summary, the available evidence is currently insufficient to determine the role of this variant in disease. Therefore, it has been classified as a Variant of Uncertain Significance.

NM_015512.5(DNAH1):c.10649C>A (p.Ser3550Tyr)

Gene: DNAH1 (dynein axonemal heavy chain 1; plus strand). Cytogenetic location: 3p21.1.
Variant type: single nucleotide variant.
Coding change: c.10649C>A on transcript NM_015512.5 (MANE Select); coding-DNA position 10649, C replaced by A.
Protein change: p.Ser3550Tyr; replaces serine 3550 with tyrosine.
Molecular consequence: missense variant.
Genome position (GRCh38, 1-based): chr3:52,394,487, C>A. VCF-style: chr3-52394487-C-A. GRCh37 (hg19) VCF-style: chr3-52428503-C-A.
Other names: short protein forms S3550Y.
Identifiers: ClinVar variation 478385 (VCV000478385.4), dbSNP rs1194381158, ClinGen allele CA353205292.